The following is an entry in ClinVar:

NM_001375524.1(TRRAP):c.10254G>A (p.Ala3418=)

Gene: TRRAP (transformation/transcription domain associated protein; plus strand). Cytogenetic location: 7q22.1.
Variant type: single nucleotide variant.
Coding change: c.10254G>A on transcript NM_001375524.1 (MANE Select); coding-DNA position 10254, G replaced by A.
Protein change: p.Ala3418=; no amino-acid change (alanine 3418 retained).
Molecular consequence: synonymous variant.
Genome position (GRCh38, 1-based): chr7:98,994,793, G>A. VCF-style: chr7-98994793-G-A. GRCh37 (hg19) VCF-style: chr7-98592416-G-A.
Other names: c.10212G>A, p.Ala3404= (NM_001244580.2); c.10125G>A, p.Ala3375= (NM_003496.4).
Identifiers: ClinVar variation 2657715 (VCV002657715.25), dbSNP rs1365277272, ClinGen allele CA456872242.
Genomic context (GRCh38, chr7:98,994,793, plus strand): 5'-TGTGTCCAACGTCTCGACCATGTTCTCCAGCGCAGCCTCTGAGTCTCTGGCCCGGCGGGC[G>A]CAGGCCACTGCACAAGACCCTGTCTTTCAGAAGCTGAAAGGCCAGTTCACGACGGGTGAG-3'
Protein context (NP_001362453.1, residues 3408-3428): SAASESLARR[Ala3418=]QATAQDPVFQ

ClinVar aggregate classification (germline): Likely benign. Review status: criteria provided, multiple submitters, no conflicts (2 of 4 stars). 2 submissions from 2 submitters: Likely benign (2). Last evaluated 2023-02-13.

Allele frequency attached by ClinVar (database versions not stated): gnomAD 0.00001.
gnomAD v4.1: 9 of 1,614,004 alleles (0.00056%); highest among the groups gnomAD compares: South Asian, 0.0044%; no homozygotes.

Submissions (2):

Blueprint Genetics
Classification: Likely benign. Last evaluated: 2023-02-13. Review status: criteria provided, single submitter. Criteria: ACMG Guidelines, 2015. Collection method: clinical testing. Allele origin: germline.

CeGaT Center for Human Genetics Tuebingen
Classification: Likely benign. Last evaluated: 2022-10-01. Review status: criteria provided, single submitter. Criteria: CeGaT Center For Human Genetics Tuebingen Variant Classification Criteria Version 2. Collection method: clinical testing. Allele origin: germline. Affected: yes. Observed: 1 variant allele.
Comment: TRRAP: BP4, BP7